The following is an entry in ClinVar:

NM_001127222.2(CACNA1A):c.7103A>C (p.Glu2368Ala)

Gene: CACNA1A (calcium voltage-gated channel subunit alpha1 A; minus strand). Cytogenetic location: 19p13.13.
Variant type: single nucleotide variant.
Coding change: c.7103A>C on transcript NM_001127222.2 (MANE Select); coding-DNA position 7103, A replaced by C.
Protein change: p.Glu2368Ala; replaces glutamic acid 2368 with alanine.
Molecular consequence: missense variant. On other transcripts: 3 prime UTR variant (3).
Genome position (GRCh38, 1-based): chr19:13,207,731, T>G on the plus strand (A>C on the coding strand, the complement: CACNA1A is on the minus strand). VCF-style: chr19-13207731-T-G. GRCh37 (hg19) VCF-style: chr19-13318545-T-G.
Other names: c.*315A>C (NM_000068.4, NM_001127221.2, NM_001174080.2); c.7121A>C, p.Glu2374Ala (NM_023035.3); short protein forms E2368A, E2374A.
Identifiers: ClinVar variation 3389826 (VCV003389826.14).

ClinVar aggregate classification (germline): Uncertain significance (1 of 4 stars; one submission).

Submission:

CeGaT Center for Human Genetics Tuebingen
Classification: Uncertain significance. Last evaluated: 2024-10-01. Review status: criteria provided, single submitter. Criteria: CeGaT Center For Human Genetics Tuebingen Variant Classification Criteria Version 2. Collection method: clinical testing. Allele origin: germline. Affected: yes. Observed: 1 variant allele.
Comment: CACNA1A: PM2, PP3